The following is an entry in ClinVar:

NM_170707.4(LMNA):c.357-8T>C

Genes: LMNA (lamin A/C; plus strand), LOC126805877 (MED14-independent group 3 enhancer GRCh37_chr1:156099693-156100892; plus strand). Cytogenetic location: 1q22.
Variant type: single nucleotide variant.
Coding change: c.357-8T>C on transcript NM_170707.4 (MANE Select); 8 bases into the intron before coding-DNA position 357, T replaced by C.
Molecular consequence: intron variant.
Genome position (GRCh38, 1-based): chr1:156,130,609, T>C. VCF-style: chr1-156130609-T-C. GRCh37 (hg19) VCF-style: chr1-156100400-T-C.
Other names: c.357-8T>C (NM_170707.3, NM_170707.2, NM_001282625.2 and 3 more transcripts); c.21-8T>C (NM_001257374.3); c.114-8T>C (NM_001282624.2).
Identifiers: ClinVar variation 1142681 (VCV001142681.15), dbSNP rs1053291240, ClinGen allele CA31007889.

ClinVar aggregate classification (germline): Likely benign. Review status: criteria provided, multiple submitters, no conflicts (2 of 4 stars). 5 submissions from 5 submitters: Likely benign (4). 1 of the submissions does not count toward it. Last evaluated 2025-11-21.

Conditions:
LMNA-related disorder. Also called: LMNA-related condition; LMNA-related disease; LMNA-related disorders. Identifiers: MedGen CN380145.
Cardiovascular phenotype. Identifiers: MedGen CN230736.
Charcot-Marie-Tooth disease type 2. Also called: Charcot-Marie-Tooth type 2. Identifiers: Orphanet 64746, MedGen C0270914, MONDO:0018993.
Cardiomyopathy (CMYO). Also called: Cardiomyopathies. Identifiers: Orphanet 167848, MedGen C0878544, MONDO:0004994, HP:0001638. Inheritance: Various modes of inheritance.
Primary dilated cardiomyopathy (DCM). Also called: Dilated Cardiomyopathy. Identifiers: Orphanet 217604, MedGen C0007193, MeSH D002311, MONDO:0005021, HP:0001644. Inheritance: Various modes of inheritance.

Allele frequency attached by ClinVar (database versions not stated): gnomAD 0.00005 and 0.00004; gnomAD exomes below 0.00001; TOPMed 0.00002.
gnomAD v4.1: 10 of 1,613,782 alleles (0.00062%); highest among the groups gnomAD compares: African/African-American, 0.013%; no homozygotes.

Submissions (5):

Labcorp Genetics (formerly Invitae), Labcorp
Classification: Likely benign for Charcot-Marie-Tooth disease type 2. Last evaluated: 2025-11-21. Review status: criteria provided, single submitter. Criteria: Invitae Variant Classification Sherloc (09022015). Collection method: clinical testing. Allele origin: germline.

All of Us Research Program, National Institutes of Health
Classification: Likely benign for Primary dilated cardiomyopathy. Last evaluated: 2023-09-04. Review status: criteria provided, single submitter. Criteria: ACMG Guidelines, 2015. Collection method: clinical testing. Allele origin: germline. Inheritance: Autosomal dominant inheritance. Observed: 1 variant allele, 1 heterozygote.
Comment: This study involves interpretation of variants in research participants for the purpose of population health screening. Participant phenotype was not available at the time of variant classification. Additional details can be found in publication PMID: 35346344, PMCID: PMC8962531

Color Diagnostics, LLC DBA Color Health
Classification: Likely benign for Cardiomyopathy. Last evaluated: 2023-09-01. Review status: criteria provided, single submitter. Criteria: ACMG Guidelines, 2015. Collection method: clinical testing. Allele origin: germline.

Ambry Genetics
Classification: Likely benign for Cardiovascular phenotype. Last evaluated: 2023-03-09. Review status: criteria provided, single submitter. Criteria: Ambry Variant Classification Scheme 2023. Collection method: clinical testing. Allele origin: germline.

PreventionGenetics, part of Exact Sciences
Classification: Likely benign for LMNA-related condition. Last evaluated: 2024-01-30. Review status: no assertion criteria provided. Collection method: clinical testing. Allele origin: germline. Not counted in ClinVar's aggregate classification.
Comment: This variant is classified as likely benign based on ACMG/AMP sequence variant interpretation guidelines (Richards et al. 2015 PMID: 25741868, with internal and published modifications).